The following is an entry in ClinVar:

ClinVar aggregate classification (germline): Uncertain significance. Review status: criteria provided, multiple submitters, no conflicts (2 of 4 stars). 2 submissions from 2 submitters: Uncertain significance (2). Last evaluated 2023-06-28.

Conditions:
Cardiovascular phenotype. Identifiers: MedGen CN230736.

gnomAD v4.1: 4 of 1,599,354 alleles (0.00025%); highest among the groups gnomAD compares: Non-Finnish European, 0.00034%; no homozygotes.

Submissions (2):

Labcorp Genetics (formerly Invitae), Labcorp
Classification: Uncertain significance. Last evaluated: 2023-06-28. Review status: criteria provided, single submitter. Criteria: Invitae Variant Classification Sherloc (09022015). Collection method: clinical testing. Allele origin: germline.
Comment: In summary, the available evidence is currently insufficient to determine the role of this variant in disease. Therefore, it has been classified as a Variant of Uncertain Significance. Advanced modeling of protein sequence and biophysical properties (such as structural, functional, and spatial information, amino acid conservation, physicochemical variation, residue mobility, and thermodynamic stability) performed at Invitae indicates that this missense variant is not expected to disrupt LOX protein function. ClinVar contains an entry for this variant (Variation ID: 1798503). This variant has not been reported in the literature in individuals affected with LOX-related conditions. This variant is not present in population databases (gnomAD no frequency). This sequence change replaces alanine, which is neutral and non-polar, with threonine, which is neutral and polar, at codon 100 of the LOX protein (p.Ala100Thr).

Ambry Genetics
Classification: Uncertain significance for Cardiovascular phenotype. Last evaluated: 2021-05-19. Review status: criteria provided, single submitter. Criteria: Ambry Variant Classification Scheme 2023. Collection method: clinical testing. Allele origin: germline.
Comment: The p.A100T variant (also known as c.298G>A), located in coding exon 1 of the LOX gene, results from a G to A substitution at nucleotide position 298. The alanine at codon 100 is replaced by threonine, an amino acid with similar properties. This amino acid position is not well conserved in available vertebrate species. In addition, this alteration is predicted to be tolerated by in silico analysis. Since supporting evidence is limited at this time, the clinical significance of this alteration remains unclear.

NM_002317.7(LOX):c.298G>A (p.Ala100Thr)

Genes: LOX (lysyl oxidase; minus strand), SRFBP1 (serum response factor binding protein 1; plus strand). Cytogenetic location: 5q23.1.
Variant type: single nucleotide variant.
Coding change: c.298G>A on transcript NM_002317.7 (MANE Select); coding-DNA position 298, G replaced by A.
Protein change: p.Ala100Thr; replaces alanine 100 with threonine.
Molecular consequence: missense variant.
Genome position (GRCh38, 1-based): chr5:122,077,688, C>T on the plus strand (G>A on the coding strand, the complement: LOX is on the minus strand). VCF-style: chr5-122077688-C-T. GRCh37 (hg19) VCF-style: chr5-121413383-C-T.
Other names: short protein forms A100T.
Identifiers: ClinVar variation 1798503 (VCV001798503.5), dbSNP rs762913437, ClinGen allele CA360877037.